The following is an entry in ClinVar:

NM_000038.6(APC):c.4900C>T (p.Pro1634Ser)

Gene: APC (APC regulator of Wnt signaling pathway; plus strand). Cytogenetic location: 5q22.2.
Variant type: single nucleotide variant.
Coding change: c.4900C>T on transcript NM_000038.6 (MANE Select); coding-DNA position 4900, C replaced by T.
Protein change: p.Pro1634Ser; replaces proline 1634 with serine.
Molecular consequence: missense variant. On other transcripts: non-coding transcript variant (2).
Genome position (GRCh38, 1-based): chr5:112,840,494, C>T. VCF-style: chr5-112840494-C-T. GRCh37 (hg19) VCF-style: chr5-112176191-C-T.
Other names: c.4900C>T, p.Pro1634Ser (NM_001127510.3, NM_001354895.2, NM_001407450.1); c.4846C>T, p.Pro1616Ser (NM_001127511.3); c.4954C>T, p.Pro1652Ser (NM_001354896.2, NM_001407447.1, NM_001407448.1 and 1 more transcripts); c.4930C>T, p.Pro1644Ser (NM_001354897.2); c.4825C>T, p.Pro1609Ser (NM_001354898.2); c.4816C>T, p.Pro1606Ser (NM_001354899.2); c.4777C>T, p.Pro1593Ser (NM_001354900.2); c.4723C>T, p.Pro1575Ser (NM_001354901.2, NM_001407453.1); and 11 more; short protein forms P1250S, P1474S, P1624S, P1505S, P1508S, P1533S, P1551S, P1593S.
Identifiers: ClinVar variation 3682912 (VCV003682912.2).

ClinVar aggregate classification (germline): Uncertain significance (1 of 4 stars; one submission).

Conditions:
Familial adenomatous polyposis 1 (FAP1). Also called: POLYPOSIS, ADENOMATOUS INTESTINAL; FAMILIAL ADENOMATOUS POLYPOSIS 1, ATTENUATED. Identifiers: MedGen C2713442, MONDO:0021056, OMIM 175100. Disease mechanism: loss of function.

Submission:

Labcorp Genetics (formerly Invitae), Labcorp
Classification: Uncertain significance for Familial adenomatous polyposis 1. Last evaluated: 2024-10-22. Review status: criteria provided, single submitter. Criteria: Invitae Variant Classification Sherloc (09022015). Collection method: clinical testing. Allele origin: germline.
Comment: This sequence change replaces proline, which is neutral and non-polar, with serine, which is neutral and polar, at codon 1634 of the APC protein (p.Pro1634Ser). This variant is not present in population databases (gnomAD no frequency). This variant has not been reported in the literature in individuals affected with APC-related conditions. Invitae Evidence Modeling of protein sequence and biophysical properties (such as structural, functional, and spatial information, amino acid conservation, physicochemical variation, residue mobility, and thermodynamic stability) indicates that this missense variant is not expected to disrupt APC protein function with a negative predictive value of 95%. In summary, the available evidence is currently insufficient to determine the role of this variant in disease. Therefore, it has been classified as a Variant of Uncertain Significance.